The following is an entry in ClinVar:

ClinVar aggregate classification (germline): Uncertain significance (1 of 4 stars; one submission).

Allele frequency attached by ClinVar (database versions not stated): TOPMed below 0.00001 and 0.00001; gnomAD 0.00001.
gnomAD v4.1: 1 of 1,614,074 alleles (0.000062%); highest among the groups gnomAD compares: Non-Finnish European, 0.000085%; no homozygotes.

Submission:

GeneDx
Classification: Uncertain significance. Last evaluated: 2017-11-30. Review status: criteria provided, single submitter. Criteria: GeneDx Variant Classification (06012015). Collection method: clinical testing. Allele origin: germline. Affected: yes.
Comment: A variant of uncertain significance has been identified in the AARS gene. The T306I variant has notbeen published as a pathogenic variant, nor has it been reported as a benign variant to our knowledge. This variant is not observed in large population cohorts (Lek et al., 2016). The T306I variant is a non-conservative amino acid substitution, which is likely to impact secondary protein structure as these residues differ in polarity, charge, size and/or other properties. Furthermore, in-silico analyses, including protein predictors and evolutionary conservation, support a deleterious effect. Therefore,based on the currently available information, it is unclear whether this variant is a pathogenic variantor a rare benign variant.

NM_001605.3(AARS1):c.917C>T (p.Thr306Ile)

Gene: AARS1 (alanyl-tRNA synthetase 1; minus strand). Cytogenetic location: 16q22.1.
Variant type: single nucleotide variant.
Coding change: c.917C>T on transcript NM_001605.3 (MANE Select); coding-DNA position 917, C replaced by T.
Protein change: p.Thr306Ile; replaces threonine 306 with isoleucine.
Molecular consequence: missense variant.
Genome position (GRCh38, 1-based): chr16:70,269,663, G>A on the plus strand (C>T on the coding strand, the complement: AARS1 is on the minus strand). VCF-style: chr16-70269663-G-A. GRCh37 (hg19) VCF-style: chr16-70303566-G-A.
Other names: short protein forms T306I.
Identifiers: ClinVar variation 246521 (VCV000246521.2), dbSNP rs879254295, ClinGen allele CA10584533.